The following is an entry in ClinVar:

NM_183357.3(ADCY5):c.1674C>A (p.Asn558Lys)

Gene: ADCY5 (adenylate cyclase 5; minus strand). Cytogenetic location: 3q21.1.
Variant type: single nucleotide variant.
Coding change: c.1674C>A on transcript NM_183357.3 (MANE Select); coding-DNA position 1674, C replaced by A.
Protein change: p.Asn558Lys; replaces asparagine 558 with lysine.
Molecular consequence: missense variant.
Genome position (GRCh38, 1-based): chr3:123,328,775, G>T on the plus strand (C>A on the coding strand, the complement: ADCY5 is on the minus strand). VCF-style: chr3-123328775-G-T. GRCh37 (hg19) VCF-style: chr3-123047622-G-T.
Other names: c.624C>A, p.Asn208Lys (NM_001199642.1); c.1674C>A, p.Asn558Lys (NM_001378259.1); short protein forms N208K, N558K.
Identifiers: ClinVar variation 4540277 (VCV004540277.1).

ClinVar aggregate classification (germline): Uncertain significance (1 of 4 stars; one submission).

Submission:

GeneDx
Classification: Uncertain significance. Last evaluated: 2025-06-26. Review status: criteria provided, single submitter. Criteria: GeneDx Variant Classification Process June 2021. Collection method: clinical testing. Allele origin: germline. Affected: yes.
Comment: Not observed at significant frequency in large population cohorts (gnomAD); In silico analysis supports that this missense variant has a deleterious effect on protein structure/function; Has not been previously published as pathogenic or benign to our knowledge